The following is an entry in ClinVar:

NM_173560.4(RFX6):c.560A>G (p.His187Arg)

Gene: RFX6 (regulatory factor X6; plus strand). Cytogenetic location: 6q22.1.
Variant type: single nucleotide variant.
Coding change: c.560A>G on transcript NM_173560.4 (MANE Select); coding-DNA position 560, A replaced by G.
Protein change: p.His187Arg; replaces histidine 187 with arginine.
Molecular consequence: missense variant.
Genome position (GRCh38, 1-based): chr6:116,882,422, A>G. VCF-style: chr6-116882422-A-G. GRCh37 (hg19) VCF-style: chr6-117203585-A-G.
Other names: short protein forms H187R.
Identifiers: ClinVar variation 3611962 (VCV003611962.2).

ClinVar aggregate classification (germline): Uncertain significance (1 of 4 stars; one submission).

gnomAD v4.1: 8 of 1,610,600 alleles (0.0005%); highest among the groups gnomAD compares: Admixed American, 0.012%; no homozygotes.

Submission:

Labcorp Genetics (formerly Invitae), Labcorp
Classification: Uncertain significance. Last evaluated: 2024-05-23. Review status: criteria provided, single submitter. Criteria: Invitae Variant Classification Sherloc (09022015). Collection method: clinical testing. Allele origin: germline.
Comment: This sequence change replaces histidine, which is basic and polar, with arginine, which is basic and polar, at codon 187 of the RFX6 protein (p.His187Arg). This variant is present in population databases (rs770307619, gnomAD 0.02%). This variant has not been reported in the literature in individuals affected with RFX6-related conditions. Advanced modeling of protein sequence and biophysical properties (such as structural, functional, and spatial information, amino acid conservation, physicochemical variation, residue mobility, and thermodynamic stability) performed at Invitae indicates that this missense variant is expected to disrupt RFX6 protein function with a positive predictive value of 80%. In summary, the available evidence is currently insufficient to determine the role of this variant in disease. Therefore, it has been classified as a Variant of Uncertain Significance.